The following is an entry in ClinVar:

ClinVar aggregate classification (germline): Likely benign. Review status: criteria provided, multiple submitters, no conflicts (2 of 4 stars). 5 submissions from 5 submitters: Likely benign (4). 1 of the submissions does not count toward it. Last evaluated 2026-03-01.

Conditions:
Inborn genetic diseases. Identifiers: MedGen C0950123, MeSH D030342.
RAD21-related disorder. Also called: RAD21-related condition; RAD21- Related disorders.
Cornelia de Lange syndrome 4 (CDLS4). Also called: RAD21-Related Cornelia de Lange Syndrome; CORNELIA DE LANGE SYNDROME 4 WITH OR WITHOUT MIDLINE BRAIN DEFECTS. Identifiers: Orphanet 199, MedGen C3553517, MONDO:0013864, OMIM 614701.

Allele frequency attached by ClinVar (database versions not stated): gnomAD 0.00010; gnomAD exomes 0.00010 and 0.00012; TOPMed 0.00011; ExAC 0.00015; 1000 Genomes Project 30x 0.00016; 1000 Genomes Project 0.00020; ESP Exome Variant Server 0.00031.
gnomAD v4.1: 188 of 1,610,984 alleles (0.012%); highest among the groups gnomAD compares: Non-Finnish European, 0.014%; no homozygotes.

Submissions (5):

CeGaT Center for Human Genetics Tuebingen
Classification: Likely benign. Last evaluated: 2026-03-01. Review status: criteria provided, single submitter. Criteria: CeGaT Center For Human Genetics Tuebingen Variant Classification Criteria Version 2. Collection method: clinical testing. Allele origin: germline. Affected: yes. Observed: 1 variant allele.
Comment: RAD21: BP4, BP7

Labcorp Genetics (formerly Invitae), Labcorp
Classification: Likely benign for Cornelia de Lange syndrome 4. Last evaluated: 2025-05-27. Review status: criteria provided, single submitter. Criteria: Invitae Variant Classification Sherloc (09022015). Collection method: clinical testing. Allele origin: germline.

Blueprint Genetics
Classification: Likely benign. Last evaluated: 2024-10-24. Review status: criteria provided, single submitter. Criteria: ACMG Guidelines, 2015. Collection method: clinical testing. Allele origin: germline.

Ambry Genetics
Classification: Likely benign for Inborn genetic diseases. Last evaluated: 2019-04-05. Review status: criteria provided, single submitter. Criteria: Ambry Variant Classification Scheme 2023. Collection method: clinical testing. Allele origin: germline.

PreventionGenetics, part of Exact Sciences
Classification: Likely benign for RAD21-related condition. Last evaluated: 2021-12-31. Review status: no assertion criteria provided. Collection method: clinical testing. Allele origin: germline. Not counted in ClinVar's aggregate classification.
Comment: This variant is classified as likely benign based on ACMG/AMP sequence variant interpretation guidelines (Richards et al. 2015 PMID: 25741868, with internal and published modifications).

NM_006265.3(RAD21):c.645T>C (p.Tyr215=)

Gene: RAD21 (RAD21 cohesin complex component; minus strand). Cytogenetic location: 8q24.11.
Variant type: single nucleotide variant.
Coding change: c.645T>C on transcript NM_006265.3 (MANE Select); coding-DNA position 645, T replaced by C.
Protein change: p.Tyr215=; no amino-acid change (tyrosine 215 retained).
Molecular consequence: synonymous variant.
Genome position (GRCh38, 1-based): chr8:116,857,310, A>G on the plus strand (T>C on the coding strand, the complement: RAD21 is on the minus strand). VCF-style: chr8-116857310-A-G. GRCh37 (hg19) VCF-style: chr8-117869549-A-G.
Identifiers: ClinVar variation 715157 (VCV000715157.15), dbSNP rs143910582, ClinGen allele CA4853039.